The following is an entry in ClinVar:

ClinVar aggregate classification (germline): Uncertain significance. Review status: criteria provided, multiple submitters, no conflicts (2 of 4 stars). 3 submissions from 3 submitters: Uncertain significance (3). Last evaluated 2026-03-03.

Conditions:
TRIM37-related disorder. Also called: TRIM37-related condition.
Inborn genetic diseases. Identifiers: MedGen C0950123, MeSH D030342.

Submissions (3):

PreventionGenetics, part of Exact Sciences
Classification: Uncertain significance for TRIM37-related condition. Last evaluated: 2026-03-03. Review status: criteria provided, single submitter. Criteria: ACMG Guidelines, 2015. Collection method: clinical testing. Allele origin: germline.
Comment: The TRIM37 c.2432G>A variant is predicted to result in the amino acid substitution p.Arg811Gln. To our knowledge, this variant has not been reported in the literature. This variant is reported in 0.011% of alleles in individuals of East Asian descent in gnomAD. At this time, the clinical significance of this variant is uncertain due to the absence of conclusive functional and genetic evidence.

Ambry Genetics
Classification: Uncertain significance for Inborn genetic diseases. Last evaluated: 2025-11-19. Review status: criteria provided, single submitter. Criteria: Ambry Variant Classification Scheme 2023. Collection method: clinical testing. Allele origin: germline.

Blueprint Genetics
Classification: Uncertain significance. Last evaluated: 2021-06-28. Review status: criteria provided, single submitter. Criteria: ACMG Guidelines, 2015. Collection method: clinical testing. Allele origin: germline.

NM_015294.6(TRIM37):c.2432G>A (p.Arg811Gln)

Gene: TRIM37 (tripartite motif containing 37; minus strand). Cytogenetic location: 17q22.
Variant type: single nucleotide variant.
Coding change: c.2432G>A on transcript NM_015294.6 (MANE Select); coding-DNA position 2432, G replaced by A.
Protein change: p.Arg811Gln; replaces arginine 811 with glutamine.
Molecular consequence: missense variant. On other transcripts: non-coding transcript variant (2).
Genome position (GRCh38, 1-based): chr17:59,015,754, C>T on the plus strand (G>A on the coding strand, the complement: TRIM37 is on the minus strand). VCF-style: chr17-59015754-C-T. GRCh37 (hg19) VCF-style: chr17-57093115-C-T.
Other names: c.2432G>A, p.Arg811Gln (NM_001353084.2, NM_001005207.5, NM_001320988.3 and 1 more transcripts); c.1970G>A, p.Arg657Gln (NM_001353085.2); c.2381G>A, p.Arg794Gln (NM_001353086.2); c.2330G>A, p.Arg777Gln (NM_001320987.3, NM_001353082.2); c.2066G>A, p.Arg689Gln (NM_001320990.3); c.1697G>A, p.Arg566Gln (NM_001353083.2); c.2432G>A (NM_015294.4); short protein forms R777Q, R794Q, R689Q, R566Q, R657Q, R811Q.
Identifiers: ClinVar variation 4633562 (VCV004633562.3).